The following is an entry in ClinVar:

NM_014208.3(DSPP):c.965C>A (p.Thr322Asn)

Genes: DMP1-AS1 (DMP1 and DSPP antisense RNA 1; minus strand), DSPP (dentin sialophosphoprotein; plus strand). Cytogenetic location: 4q22.1.
Variant type: single nucleotide variant.
Coding change: c.965C>A on transcript NM_014208.3 (MANE Select); coding-DNA position 965, C replaced by A.
Protein change: p.Thr322Asn; replaces threonine 322 with asparagine.
Molecular consequence: missense variant.
Genome position (GRCh38, 1-based): chr4:87,613,151, C>A. VCF-style: chr4-87613151-C-A. GRCh37 (hg19) VCF-style: chr4-88534303-C-A.
Other names: short protein forms T322N.
Identifiers: ClinVar variation 2178622 (VCV002178622.8), dbSNP rs549049385, ClinGen allele CA3000986.

ClinVar aggregate classification (germline): Conflicting classifications of pathogenicity. Review status: criteria provided, conflicting classifications (1 of 4 stars). 3 submissions from 3 submitters: Uncertain significance (1); Likely benign (1). 1 of the submissions does not count toward it. Last evaluated 2023-05-17.

Conditions:
DSPP-related disorder. Also called: DSPP-related condition.
Inborn genetic diseases. Identifiers: MedGen C0950123, MeSH D030342.

Allele frequency attached by ClinVar (database versions not stated): gnomAD exomes 0.00002; gnomAD 0.00005; TOPMed 0.00009; ExAC 0.00022; 1000 Genomes Project 30x 0.00031; 1000 Genomes Project 0.00040.

Submissions (3):

Ambry Genetics
Classification: Uncertain significance for Inborn genetic diseases. Last evaluated: 2023-05-17. Review status: criteria provided, single submitter. Criteria: Ambry Variant Classification Scheme 2023. Collection method: clinical testing. Allele origin: germline.

Labcorp Genetics (formerly Invitae), Labcorp
Classification: Likely benign. Last evaluated: 2021-12-25. Review status: criteria provided, single submitter. Criteria: Invitae Variant Classification Sherloc (09022015). Collection method: clinical testing. Allele origin: germline.

PreventionGenetics, part of Exact Sciences
Classification: Likely benign for DSPP-related condition. Last evaluated: 2019-08-08. Review status: no assertion criteria provided. Collection method: clinical testing. Allele origin: germline. Not counted in ClinVar's aggregate classification.
Comment: This variant is classified as likely benign based on ACMG/AMP sequence variant interpretation guidelines (Richards et al. 2015 PMID: 25741868, with internal and published modifications).